The following is an entry in ClinVar:

NM_138420.4(AHNAK2):c.3210C>T (p.His1070=)

Gene: AHNAK2 (AHNAK nucleoprotein 2; minus strand). Cytogenetic location: 14q32.33.
Variant type: single nucleotide variant.
Coding change: c.3210C>T on transcript NM_138420.4 (MANE Select); coding-DNA position 3210, C replaced by T.
Protein change: p.His1070=; no amino-acid change (histidine 1070 retained).
Molecular consequence: synonymous variant.
Genome position (GRCh38, 1-based): chr14:104,952,241, G>A on the plus strand (C>T on the coding strand, the complement: AHNAK2 is on the minus strand). VCF-style: chr14-104952241-G-A. GRCh37 (hg19) VCF-style: chr14-105418578-G-A.
Other names: c.2910C>T, p.His970= (NM_001350929.2).
Identifiers: ClinVar variation 2644861 (VCV002644861.24), dbSNP rs372201405, ClinGen allele CA7383181.

ClinVar aggregate classification (germline): Likely benign (1 of 4 stars; one submission).

gnomAD v4.1: 2 of 1,611,722 alleles (0.00012%); highest among the groups gnomAD compares: Non-Finnish European, 0.00017%; no homozygotes.

Submission:

CeGaT Center for Human Genetics Tuebingen
Classification: Likely benign. Last evaluated: 2022-11-01. Review status: criteria provided, single submitter. Criteria: CeGaT Center For Human Genetics Tuebingen Variant Classification Criteria Version 2. Collection method: clinical testing. Allele origin: germline. Affected: yes. Observed: 1 variant allele.
Comment: AHNAK2: BP4, BP7